The following is an entry in ClinVar:

ClinVar aggregate classification (germline): Uncertain significance (1 of 4 stars; one submission).

Conditions:
BEST1-related disorder. Also called: BEST1-related condition; BEST1-related disorders. Identifiers: MedGen CN239200.

gnomAD v4.1: 10 of 1,518,668 alleles (0.00066%); highest among the groups gnomAD compares: Admixed American, 0.0078%; no homozygotes.

Submission:

PreventionGenetics, part of Exact Sciences
Classification: Uncertain significance for BEST1-related condition. Last evaluated: 2025-01-22. Review status: criteria provided, single submitter. Criteria: ACMG Guidelines, 2015. Collection method: clinical testing. Allele origin: germline.
Comment: The BEST1 c.1043C>T variant is predicted to result in the amino acid substitution p.Ser348Leu. To our knowledge, this variant has not been reported in the literature. This variant is reported in 0.0065% of alleles in individuals of African descent in gnomAD. At this time, the clinical significance of this variant is uncertain due to the absence of conclusive functional and genetic evidence.

NM_004183.4(BEST1):c.867+176C>T

Gene: BEST1 (bestrophin 1; plus strand). Cytogenetic location: 11q12.3.
Variant type: single nucleotide variant.
Coding change: c.867+176C>T on transcript NM_004183.4 (MANE Select); 176 bases into the intron after coding-DNA position 867, C replaced by T.
Molecular consequence: intron variant. On other transcripts: missense variant (1), 5 prime UTR variant (1), non-coding transcript variant (1).
Genome position (GRCh38, 1-based): chr11:61,958,474, C>T. VCF-style: chr11-61958474-C-T. GRCh37 (hg19) VCF-style: chr11-61725946-C-T.
Other names: c.1043C>T, p.Ser348Leu (NM_001363592.2); c.-133C>T (NM_001363593.3); c.867+176C>T (NM_001440571.1, NM_001440572.1); c.714+1010C>T (NM_001440573.1); c.687+176C>T (NM_001139443.3, NM_001300787.2, NM_001440574.1 and 1 more transcripts); c.534+1010C>T (NM_001440575.1, NM_001440576.1); c.549+176C>T (NM_001363591.3); short protein forms S348L.
Identifiers: ClinVar variation 4981472 (VCV004981472.1).
Genomic context (GRCh38, chr11:61,958,474, plus strand): 5'-GCCAGGCGTGGTGGCGCACACCTGTAATCCCAGCTACTCGGGAGGCTGAGGCAGGAGAAT[C>T]GCTTGAACCCGGGAGGCGGAGGTTGTGGTGAGTTGAGATCGTGCCACTGCACTCCAGCCT-3'